The following is an entry in ClinVar:

NM_203447.4(DOCK8):c.1760A>G (p.Gln587Arg)

Gene: DOCK8 (dedicator of cytokinesis 8; plus strand). Cytogenetic location: 9p24.3.
Variant type: single nucleotide variant.
Coding change: c.1760A>G on transcript NM_203447.4 (MANE Select); coding-DNA position 1760, A replaced by G.
Protein change: p.Gln587Arg; replaces glutamine 587 with arginine.
Molecular consequence: missense variant.
Genome position (GRCh38, 1-based): chr9:368,098, A>G. VCF-style: chr9-368098-A-G. GRCh37 (hg19) VCF-style: chr9-368098-A-G.
Other names: c.1556A>G, p.Gln519Arg (NM_001190458.2, NM_001193536.2); short protein forms Q587R, Q519R.
Identifiers: ClinVar variation 1423709 (VCV001423709.8), dbSNP rs780355785, ClinGen allele CA4957872.
Genomic context (GRCh38, chr9:368,098, plus strand): 5'-CACAGAGGCTGAACTTTGTAAACAAACTAGCATCAGCCCGGAACATTACAATAAAGATCC[A>G]GTTTATGTGTGGAGAAGATGCTAGCAATGCGATGCCGGTAAGGAGGGAAACGAACATTTG-3'
Protein context (NP_982272.2, residues 577-597): ASARNITIKI[Gln587Arg]FMCGEDASNA

ClinVar aggregate classification (germline): Uncertain significance (1 of 4 stars; one submission).

Conditions:
Combined immunodeficiency due to DOCK8 deficiency (HIES2). Also called: Hyper-IgE recurrent infection syndrome, autosomal recessive; DOCK8 Deficiency; HYPER-IgE RECURRENT INFECTION SYNDROME 2, AUTOSOMAL RECESSIVE; HIES autosomal recessive; HYPER-IgE SYNDROME 2, AUTOSOMAL RECESSIVE, WITH RECURRENT INFECTIONS. Identifiers: Orphanet 217390, MedGen C4722305, MONDO:0009478, OMIM 243700.

Allele frequency attached by ClinVar (database versions not stated): gnomAD exomes below 0.00001 and 0.00002; ExAC 0.00001.
gnomAD v4.1: 31 of 1,614,216 alleles (0.0019%); highest among the groups gnomAD compares: Non-Finnish European, 0.0025%; no homozygotes.

Submission:

Labcorp Genetics (formerly Invitae), Labcorp
Classification: Uncertain significance for Combined immunodeficiency due to DOCK8 deficiency. Last evaluated: 2021-01-18. Review status: criteria provided, single submitter. Criteria: Invitae Variant Classification Sherloc (09022015). Collection method: clinical testing. Allele origin: germline.
Comment: This sequence change replaces glutamine with arginine at codon 587 of the DOCK8 protein (p.Gln587Arg). The glutamine residue is highly conserved and there is a small physicochemical difference between glutamine and arginine. This variant is present in population databases (rs780355785, ExAC 0.001%). This variant has not been reported in the literature in individuals with DOCK8-related conditions. Algorithms developed to predict the effect of missense changes on protein structure and function are either unavailable or do not agree on the potential impact of this missense change (SIFT: "Deleterious"; PolyPhen-2: "Probably Damaging"; Align-GVGD: "Class C0"). In summary, the available evidence is currently insufficient to determine the role of this variant in disease. Therefore, it has been classified as a Variant of Uncertain Significance.